The following is an entry in ClinVar:

ClinVar aggregate classification (germline): Uncertain significance (1 of 4 stars; one submission).

Submission:

Labcorp Genetics (formerly Invitae), Labcorp
Classification: Uncertain significance. Last evaluated: 2022-11-07. Review status: criteria provided, single submitter. Criteria: Invitae Variant Classification Sherloc (09022015). Collection method: clinical testing. Allele origin: germline.
Comment: This variant is not present in population databases (gnomAD no frequency). This sequence change replaces leucine, which is neutral and non-polar, with proline, which is neutral and non-polar, at codon 460 of the SLC18A3 protein (p.Leu460Pro). This variant has not been reported in the literature in individuals affected with SLC18A3-related conditions. In summary, the available evidence is currently insufficient to determine the role of this variant in disease. Therefore, it has been classified as a Variant of Uncertain Significance. Advanced modeling of protein sequence and biophysical properties (such as structural, functional, and spatial information, amino acid conservation, physicochemical variation, residue mobility, and thermodynamic stability) performed at Invitae indicates that this missense variant is expected to disrupt SLC18A3 protein function. ClinVar contains an entry for this variant (Variation ID: 1475049).

NM_003055.3(SLC18A3):c.1379T>C (p.Leu460Pro)

Genes: CHAT (choline O-acetyltransferase; plus strand), SLC18A3 (solute carrier family 18 member A3; plus strand). Cytogenetic location: 10q11.23.
Variant type: single nucleotide variant.
Coding change: c.1379T>C on transcript NM_003055.3 (MANE Select); coding-DNA position 1379, T replaced by C.
Protein change: p.Leu460Pro; replaces leucine 460 with proline.
Molecular consequence: missense variant. On other transcripts: intron variant (1).
Genome position (GRCh38, 1-based): chr10:49,612,119, T>C. VCF-style: chr10-49612119-T-C. GRCh37 (hg19) VCF-style: chr10-50820165-T-C.
Other names: c.-69+2920T>C (NM_020984.4); short protein forms L460P.
Identifiers: ClinVar variation 1475049 (VCV001475049.7), dbSNP rs2132688808, ClinGen allele CA376723200.
Genomic context (GRCh38, chr10:49,612,119, plus strand): 5'-GCCACATTGTGCACTCGCTGGGCTTTGAGCAGCTCAGCCTTGGCATGGGACTGGCCAACC[T>C]GCTCTATGCTCCCGTCTTGCTGCTGCTCCGCAACGTGGGCCTCCTGACGCGCTCCCGTTC-3'
Protein context (NP_003046.2, residues 450-470): QLSLGMGLAN[Leu460Pro]LYAPVLLLLR